The following is an entry in ClinVar:

ClinVar aggregate classification (germline): Uncertain significance (1 of 4 stars; one submission).

Conditions:
RFT1-congenital disorder of glycosylation (CDG1N). Also called: RFT1-CDG; Congenital disorder of glycosylation type In; CDG In. Identifiers: Orphanet 244310, MedGen C2677590, MONDO:0012783, OMIM 612015.

Submission:

Labcorp Genetics (formerly Invitae), Labcorp
Classification: Uncertain significance for RFT1-congenital disorder of glycosylation. Last evaluated: 2022-09-06. Review status: criteria provided, single submitter. Criteria: Invitae Variant Classification Sherloc (09022015). Collection method: clinical testing. Allele origin: germline.
Comment: This variant is not present in population databases (gnomAD no frequency). This sequence change creates a premature translational stop signal (p.Ile302Asnfs*40) in the RFT1 gene. It is expected to result in an absent or disrupted protein product. However, the current clinical and genetic evidence is not sufficient to establish whether loss-of-function variants in RFT1 cause disease. This variant has not been reported in the literature in individuals affected with RFT1-related conditions. ClinVar contains an entry for this variant (Variation ID: 1462156). In summary, the available evidence is currently insufficient to determine the role of this variant in disease. Therefore, it has been classified as a Variant of Uncertain Significance.

NM_052859.4(RFT1):c.905del (p.Ile302fs)

Gene: RFT1 (RFT1 glycolipid translocator homolog; minus strand). Cytogenetic location: 3p21.1.
Variant type: Deletion.
Coding change: c.905del on transcript NM_052859.4 (MANE Select); coding-DNA position 905, one base deleted (T; older notation c.905delT).
Protein change: p.Ile302fs; shifts the reading frame from isoleucine 302.
Molecular consequence: frameshift variant.
Genome position (GRCh38, 1-based): chr3:53,105,725, A deleted on the plus strand (T on the coding strand, the reverse complement: RFT1 is on the minus strand). VCF-style (leftmost placement, unchanged base first): chr3-53105724-TA-T. GRCh37 (hg19) VCF-style: chr3-53139740-TA-T.
Other names: short protein forms I302fs.
Identifiers: ClinVar variation 1462156 (VCV001462156.6), dbSNP rs2107115317, ClinGen allele CA2573137363.